The following is an entry in ClinVar:

NM_020843.4(SCAPER):c.2996A>G (p.Asn999Ser)

Gene: SCAPER (S-phase cyclin A associated protein in the ER; minus strand). Cytogenetic location: 15q24.3.
Variant type: single nucleotide variant.
Coding change: c.2996A>G on transcript NM_020843.4 (MANE Select); coding-DNA position 2996, A replaced by G.
Protein change: p.Asn999Ser; replaces asparagine 999 with serine.
Molecular consequence: missense variant. On other transcripts: non-coding transcript variant (1).
Genome position (GRCh38, 1-based): chr15:76,471,294, T>C on the plus strand (A>G on the coding strand, the complement: SCAPER is on the minus strand). VCF-style: chr15-76471294-T-C. GRCh37 (hg19) VCF-style: chr15-76763635-T-C.
Other names: c.2258A>G, p.Asn753Ser (NM_001145923.2); c.3014A>G, p.Asn1005Ser (NM_001353009.2); c.2594A>G, p.Asn865Ser (NM_001353010.2, NM_001353012.2); c.2612A>G, p.Asn871Ser (NM_001353011.2); short protein forms N1005S, N753S, N865S, N871S, N999S.
Identifiers: ClinVar variation 3355476 (VCV003355476.1).

ClinVar aggregate classification (germline): Uncertain significance (0 of 4 stars; one submission).

Conditions:
SCAPER-related disorder. Also called: SCAPER-related condition.

gnomAD v4.1: 28 of 1,612,046 alleles (0.0017%); highest among the groups gnomAD compares: African/African-American, 0.0053%; no homozygotes.

Submission:

PreventionGenetics, part of Exact Sciences
Classification: Uncertain significance for SCAPER-related condition. Last evaluated: 2024-09-09. Review status: no assertion criteria provided. Collection method: clinical testing. Allele origin: germline.
Comment: The SCAPER c.3014A>G variant is predicted to result in the amino acid substitution p.Asn1005Ser. In the primary transcript used in the literature, this variant is referred to as NM_020843:c.2996A>G (p.Asn999Ser). To our knowledge, this variant has not been reported in the literature. This variant is reported in 0.0041% of alleles in individuals of African descent in gnomAD. At this time, the clinical significance of this variant is uncertain due to the absence of conclusive functional and genetic evidence.